The following is an entry in ClinVar:

ClinVar aggregate classification (germline): Uncertain significance (1 of 4 stars; one submission).

Conditions:
Cardiovascular phenotype. Identifiers: MedGen CN230736.

Submission:

Ambry Genetics
Classification: Uncertain significance for Cardiovascular phenotype. Last evaluated: 2025-04-07. Review status: criteria provided, single submitter. Criteria: Ambry Variant Classification Scheme 2023. Collection method: clinical testing. Allele origin: germline.
Comment: The p.G972D variant (also known as c.2915G>A), located in coding exon 1 of the ZNF469 gene, results from a G to A substitution at nucleotide position 2915. The glycine at codon 972 is replaced by aspartic acid, an amino acid with similar properties. This amino acid position is conserved. In addition, this alteration is predicted to be tolerated by in silico analysis. Based on the available evidence, the clinical significance of this variant remains unclear.

NM_001367624.2(ZNF469):c.2915G>A (p.Gly972Asp)

Gene: ZNF469 (zinc finger protein 469; plus strand). Cytogenetic location: 16q24.2.
Variant type: single nucleotide variant.
Coding change: c.2915G>A on transcript NM_001367624.2 (MANE Select); coding-DNA position 2915, G replaced by A.
Protein change: p.Gly972Asp; replaces glycine 972 with aspartic acid.
Molecular consequence: missense variant.
Genome position (GRCh38, 1-based): chr16:88,430,385, G>A. VCF-style: chr16-88430385-G-A. GRCh37 (hg19) VCF-style: chr16-88496793-G-A.
Other names: NM_001127464.1:c.2915G>A; short protein forms G972D.
Identifiers: ClinVar variation 3987319 (VCV003987319.1).